The following is an entry in ClinVar:

ClinVar aggregate classification (germline): Uncertain significance (1 of 4 stars; one submission).

Submission:

Labcorp Genetics (formerly Invitae), Labcorp
Classification: Uncertain significance. Last evaluated: 2022-11-22. Review status: criteria provided, single submitter. Criteria: Invitae Variant Classification Sherloc (09022015). Collection method: clinical testing. Allele origin: germline.
Comment: This variant is not present in population databases (gnomAD no frequency). This missense change has been observed in individual(s) with ocular or oculocutaneous albinism (PMID: 21541274). ClinVar contains an entry for this variant (Variation ID: 1406974). Advanced modeling of protein sequence and biophysical properties (such as structural, functional, and spatial information, amino acid conservation, physicochemical variation, residue mobility, and thermodynamic stability) has been performed at Invitae for this missense variant, however the output from this modeling did not meet the statistical confidence thresholds required to predict the impact of this variant on TYR protein function. In summary, the available evidence is currently insufficient to determine the role of this variant in disease. Therefore, it has been classified as a Variant of Uncertain Significance. This sequence change replaces serine, which is neutral and polar, with proline, which is neutral and non-polar, at codon 442 of the TYR protein (p.Ser442Pro).

Literature cited by the submitters: PubMed 21541274.

NM_000372.5(TYR):c.1324T>C (p.Ser442Pro)

Gene: TYR (tyrosinase; plus strand). Cytogenetic location: 11q14.3.
Variant type: single nucleotide variant.
Coding change: c.1324T>C on transcript NM_000372.5 (MANE Select); coding-DNA position 1324, T replaced by C.
Protein change: p.Ser442Pro; replaces serine 442 with proline.
Molecular consequence: missense variant.
Genome position (GRCh38, 1-based): chr11:89,284,912, T>C. VCF-style: chr11-89284912-T-C. GRCh37 (hg19) VCF-style: chr11-89018080-T-C.
Other names: short protein forms S442P.
Identifiers: ClinVar variation 1406974 (VCV001406974.8), dbSNP rs1437889928, ClinGen allele CA382078106.
Genomic context (GRCh38, chr11:89,284,912, plus strand): 5'-CGGGAATCCTACATGGTTCCTTTTATACCACTGTACAGAAATGGTGATTTCTTTATTTCA[T>C]CCAAAGATCTGGGCTATGACTATAGCTATCTACAAGATTCAGGTAAAGTTTACTTTCTTT-3'
Protein context (NP_000363.1, residues 432-452): LYRNGDFFIS[Ser442Pro]KDLGYDYSYL